The following is an entry in ClinVar:

NM_001754.5(RUNX1):c.449C>A (p.Ala150Asp)

Genes: RUNX1 (RUNX family transcription factor 1; minus strand), RUNX1-AS1 (RUNX1 antisense RNA 1; plus strand). Cytogenetic location: 21q22.12.
Variant type: single nucleotide variant.
Coding change: c.449C>A on transcript NM_001754.5 (MANE Select); coding-DNA position 449, C replaced by A.
Protein change: p.Ala150Asp; replaces alanine 150 with aspartic acid.
Molecular consequence: missense variant.
Genome position (GRCh38, 1-based): chr21:34,880,616, G>T on the plus strand (C>A on the coding strand, the complement: RUNX1 is on the minus strand). VCF-style: chr21-34880616-G-T. GRCh37 (hg19) VCF-style: chr21-36252913-G-T.
Other names: NM_001754.5(RUNX1):c.449C>A; p.Ala150Asp; c.368C>A, p.Ala123Asp (NM_001001890.3, NM_001122607.2); short protein forms A123D, A150D.
Identifiers: ClinVar variation 1713291 (VCV001713291.7), dbSNP rs2146361672, ClinGen allele CA410202586.

ClinVar aggregate classification (germline): Uncertain significance. Review status: reviewed by expert panel (3 of 4 stars). 2 submissions from 2 submitters: Uncertain significance (1). 1 of the submissions does not count toward it. Last evaluated 2024-07-25.

Conditions:
Hereditary thrombocytopenia and hematologic cancer predisposition syndrome. Identifiers: Orphanet 71290, MedGen CN281654, MONDO:0011071.
Hereditary thrombocytopenia and hematological cancer predisposition syndrome associated with RUNX1. Also called: PLATELET DISORDER, ASPIRIN-LIKE; RUNX1 Familial Platelet Disorder with Associated Myeloid Malignancies; Familial Platelet Disorder with Propensity to Acute Myelogenous Leukemia; Familial thrombocytopenia with propensity to acute myelogenous leukemia. Identifiers: Orphanet 71290, MedGen C1832388, MeSH C563324, MONDO:0100083, OMIM 601399.

Submissions (2):

ClinGen Myeloid Malignancy Variant Curation Expert Panel
Classification: Uncertain significance for Hereditary thrombocytopenia and hematologic cancer predisposition syndrome. Last evaluated: 2024-07-25. Review status: reviewed by expert panel. Criteria: ClinGen MyeloMalig ACMG Specifications v2. Collection method: curation. Allele origin: germline. Inheritance: Autosomal dominant inheritance.
Comment: NM_001754.5(RUNX1):c.449C>A (p.Ala150Asp) is a missense variant which is completely absent from all population databases with at least 20x coverage for RUNX1 (PM2_supporting). This missense variant is located within the Runt Homology Domain (AA 89-204), but does not occur in an established hotspot residue (PM1_supporting). In summary, the clinical significance of this variant is uncertain. ACMG/AMP criteria applied, as specified by the Myeloid Malignancy Variant Curation Expert Panel for RUNX1: PM1_supporting, PM2_supporting.

Labcorp Genetics (formerly Invitae), Labcorp
Classification: Uncertain significance for Hereditary thrombocytopenia and hematological cancer predisposition syndrome associated with RUNX1. Last evaluated: 2023-03-09. Review status: criteria provided, single submitter. Criteria: Invitae Variant Classification Sherloc (09022015). Collection method: clinical testing. Allele origin: germline. Not counted in ClinVar's aggregate classification.
Comment: This sequence change replaces alanine, which is neutral and non-polar, with aspartic acid, which is acidic and polar, at codon 150 of the RUNX1 protein (p.Ala150Asp). This variant is not present in population databases (gnomAD no frequency). This variant has not been reported in the literature in individuals affected with RUNX1-related conditions. ClinVar contains an entry for this variant (Variation ID: 1713291). Advanced modeling of protein sequence and biophysical properties (such as structural, functional, and spatial information, amino acid conservation, physicochemical variation, residue mobility, and thermodynamic stability) performed at Invitae indicates that this missense variant is not expected to disrupt RUNX1 protein function. In summary, the available evidence is currently insufficient to determine the role of this variant in disease. Therefore, it has been classified as a Variant of Uncertain Significance.